The following is an entry in ClinVar:

NM_006516.4(SLC2A1):c.1403G>T (p.Arg468Leu)

Gene: SLC2A1 (solute carrier family 2 member 1; minus strand). Cytogenetic location: 1p34.2.
Variant type: single nucleotide variant.
Coding change: c.1403G>T on transcript NM_006516.4 (MANE Select); coding-DNA position 1403, G replaced by T.
Protein change: p.Arg468Leu; replaces arginine 468 with leucine.
Molecular consequence: missense variant.
Genome position (GRCh38, 1-based): chr1:42,927,117, C>A on the plus strand (G>T on the coding strand, the complement: SLC2A1 is on the minus strand). VCF-style: chr1-42927117-C-A. GRCh37 (hg19) VCF-style: chr1-43392788-C-A.
Other names: short protein forms R468L.
Identifiers: ClinVar variation 1309959 (VCV001309959.2), dbSNP rs13306754, ClinGen allele CA21248775.
Genomic context (GRCh38, chr1:42,927,117, plus strand): 5'-GCCCCCAGGGGATGGAACAGCTCCTCGGGTGTCTTGTCACTTTGGCTGGCTCCCCCCTGC[C>A]GGAAGCCGGAAGCGATCTCATCGAAGGTCCGGCCTTTAGTCTCAGGAACTTTGAAGTAGG-3'
Protein context (NP_006507.2, residues 458-478): RTFDEIASGF[Arg468Leu]QGGASQSDKT

ClinVar aggregate classification (germline): Uncertain significance (1 of 4 stars; one submission).

Submission:

GeneDx
Classification: Uncertain significance. Last evaluated: 2019-11-06. Review status: criteria provided, single submitter. Criteria: GeneDx Variant Classification Process June 2021. Collection method: clinical testing. Allele origin: germline. Affected: yes.
Comment: Not observed in large population cohorts (Lek et al., 2016); In silico analysis, which includes protein predictors and evolutionary conservation, supports a deleterious effect; In addition, in silico splice predictors suggest this variant may lead to abnormal gene splicing. In the absence of RNA/functional studies, the actual effect of this sequence change is unknown; Published functional studies demonstrate that this variant creates a small but consistent reduction of 2-deoxy-D-glucose transport activity (Muraoka et al., 1995); This variant is associated with the following publications: (PMID: 20687207, 20221955, 7487915)